The following is an entry in ClinVar:

ClinVar aggregate classification (germline): Uncertain significance (1 of 4 stars; one submission).

Allele frequency attached by ClinVar (database versions not stated): gnomAD exomes below 0.00001; TOPMed 0.00002.
gnomAD v4.1: 3 of 1,442,992 alleles (0.00021%); highest among the groups gnomAD compares: Admixed American, 0.0033%; no homozygotes.

Submission:

Labcorp Genetics (formerly Invitae), Labcorp
Classification: Uncertain significance. Last evaluated: 2022-08-31. Review status: criteria provided, single submitter. Criteria: Invitae Variant Classification Sherloc (09022015). Collection method: clinical testing. Allele origin: germline.
Comment: This sequence change replaces leucine, which is neutral and non-polar, with phenylalanine, which is neutral and non-polar, at codon 268 of the GHR protein (p.Leu268Phe). This variant is not present in population databases (gnomAD no frequency). This variant has not been reported in the literature in individuals affected with GHR-related conditions. Algorithms developed to predict the effect of missense changes on protein structure and function output the following: SIFT: "Tolerated"; PolyPhen-2: "Benign"; Align-GVGD: "Class C0". The phenylalanine amino acid residue is found in multiple mammalian species, which suggests that this missense change does not adversely affect protein function. In summary, the available evidence is currently insufficient to determine the role of this variant in disease. Therefore, it has been classified as a Variant of Uncertain Significance.

NM_000163.5(GHR):c.802C>T (p.Leu268Phe)

Gene: GHR (growth hormone receptor; plus strand). Cytogenetic location: 5p12.
Variant type: single nucleotide variant.
Coding change: c.802C>T on transcript NM_000163.5 (MANE Select); coding-DNA position 802, C replaced by T.
Protein change: p.Leu268Phe; replaces leucine 268 with phenylalanine.
Molecular consequence: missense variant.
Genome position (GRCh38, 1-based): chr5:42,713,446, C>T. VCF-style: chr5-42713446-C-T. GRCh37 (hg19) VCF-style: chr5-42713548-C-T.
Other names: c.823C>T, p.Leu275Phe (NM_001242399.2); c.802C>T, p.Leu268Phe (NM_001242400.2, NM_001242401.4, NM_001242402.2 and 5 more transcripts); c.736C>T, p.Leu246Phe (NM_001242460.2); short protein forms L246F, L275F, L268F.
Identifiers: ClinVar variation 2051204 (VCV002051204.1), dbSNP rs910981282, ClinGen allele CA117801450.